The following is an entry in ClinVar:

ClinVar aggregate classification (germline): Benign. Review status: criteria provided, multiple submitters, no conflicts (2 of 4 stars). 2 submissions from 2 submitters: Benign (2). Last evaluated 2026-01-21.

Allele frequency attached by ClinVar (database versions not stated): ExAC 0.00148; gnomAD exomes 0.00152 and 0.00175; gnomAD 0.00175 and 0.00176; TOPMed 0.00208; 1000 Genomes Project 0.00220; ESP Exome Variant Server 0.00223; 1000 Genomes Project 30x 0.00234.
gnomAD v4.1: 2,848 of 1,611,318 alleles (0.18%); highest among the groups gnomAD compares: Admixed American, 0.33%; 6 homozygotes.

Submissions (2):

Labcorp Genetics (formerly Invitae), Labcorp
Classification: Benign. Last evaluated: 2026-01-21. Review status: criteria provided, single submitter. Criteria: Invitae Variant Classification Sherloc (09022015). Collection method: clinical testing. Allele origin: germline.

GeneDx
Classification: Benign. Last evaluated: 2015-01-05. Review status: criteria provided, single submitter. Criteria: GeneDx Variant Classification (06012015). Collection method: clinical testing. Allele origin: germline. Affected: yes.
Comment: This variant is considered likely benign or benign based on one or more of the following criteria: it is a conservative change, it occurs at a poorly conserved position in the protein, it is predicted to be benign by multiple in silico algorithms, and/or has population frequency not consistent with disease.

NM_020117.11(LARS1):c.433-12C>T

Gene: LARS1 (leucyl-tRNA synthetase 1; minus strand). Cytogenetic location: 5q32.
Variant type: single nucleotide variant.
Coding change: c.433-12C>T on transcript NM_020117.11 (MANE Select); 12 bases into the intron before coding-DNA position 433, C replaced by T.
Molecular consequence: intron variant.
Genome position (GRCh38, 1-based): chr5:146,164,483, G>A on the plus strand (C>T on the coding strand, the complement: LARS1 is on the minus strand). VCF-style: chr5-146164483-G-A. GRCh37 (hg19) VCF-style: chr5-145544046-G-A.
Other names: c.271-12C>T (NM_001317965.2); c.352-12C>T (NM_016460.4); c.295-12C>T (NM_001317964.2).
Identifiers: ClinVar variation 214557 (VCV000214557.9), dbSNP rs76839811, ClinGen allele CA325223.